The following is an entry in ClinVar:

ClinVar aggregate classification (germline): Uncertain significance. Review status: criteria provided, multiple submitters, no conflicts (2 of 4 stars). 2 submissions from 2 submitters: Uncertain significance (2). Last evaluated 2025-12-04.

Allele frequency attached by ClinVar (database versions not stated): TOPMed below 0.00001; ExAC 0.00001; gnomAD exomes 0.00001.
gnomAD v4.1: 2 of 1,614,086 alleles (0.00012%); highest among the groups gnomAD compares: East Asian, 0.0045%; no homozygotes.

Submissions (2):

Ambry Genetics
Classification: Uncertain significance. Last evaluated: 2025-12-04. Review status: criteria provided, single submitter. Criteria: Ambry Variant Classification Scheme 2023. Collection method: clinical testing. Allele origin: germline.

Labcorp Genetics (formerly Invitae), Labcorp
Classification: Uncertain significance. Last evaluated: 2021-04-17. Review status: criteria provided, single submitter. Criteria: Invitae Variant Classification Sherloc (09022015). Collection method: clinical testing. Allele origin: germline.
Comment: Algorithms developed to predict the effect of missense changes on protein structure and function (SIFT, PolyPhen-2, Align-GVGD) all suggest that this variant is likely to be tolerated, but these predictions have not been confirmed by published functional studies and their clinical significance is uncertain. In summary, the available evidence is currently insufficient to determine the role of this variant in disease. Therefore, it has been classified as a Variant of Uncertain Significance. This variant has not been reported in the literature in individuals with TIMP3-related conditions. This sequence change replaces histidine with glutamine at codon 78 of the TIMP3 protein (p.His78Gln). The histidine residue is moderately conserved and there is a small physicochemical difference between histidine and glutamine. This variant is present in population databases (rs757613563, ExAC 0.01%).

NM_000362.5(TIMP3):c.234T>G (p.His78Gln)

Genes: SYN3 (synapsin III; minus strand), TIMP3 (TIMP metallopeptidase inhibitor 3; plus strand). Cytogenetic location: 22q12.3.
Variant type: single nucleotide variant.
Coding change: c.234T>G on transcript NM_000362.5 (MANE Select); coding-DNA position 234, T replaced by G.
Protein change: p.His78Gln; replaces histidine 78 with glutamine.
Molecular consequence: missense variant. On other transcripts: intron variant (7).
Genome position (GRCh38, 1-based): chr22:32,857,278, T>G. VCF-style: chr22-32857278-T-G. GRCh37 (hg19) VCF-style: chr22-33253265-T-G.
Other names: c.708+7637A>C (NM_001369909.1, NM_001135774.2, NM_001369910.1); c.711+7637A>C (NM_001369907.1, NM_003490.4, NM_001369908.1 and 1 more transcripts); c.234T>G (NM_000362.4); short protein forms H78Q.
Identifiers: ClinVar variation 1520767 (VCV001520767.9), dbSNP rs757613563, ClinGen allele CA10202206.
Genomic context (GRCh38, chr22:32,857,278, plus strand): 5'-GAAGAAGTCATGATGTTCCTTTTGCCCACAGATGTACCGAGGCTTCACCAAGATGCCCCA[T>G]GTGCAGTACATCCATACGGAAGCTTCCGAGAGTCTCTGTGGCCTTAAGCTGGAGGTCAAC-3'
Protein context (NP_000353.1, residues 68-88): KMYRGFTKMP[His78Gln]VQYIHTEASE